The following is an entry in ClinVar:

NM_005188.4(CBL):c.2383A>G (p.Asn795Asp)

Gene: CBL (Cbl proto-oncogene; plus strand). Cytogenetic location: 11q23.3.
Variant type: single nucleotide variant.
Coding change: c.2383A>G on transcript NM_005188.4 (MANE Select); coding-DNA position 2383, A replaced by G.
Protein change: p.Asn795Asp; replaces asparagine 795 with aspartic acid.
Molecular consequence: missense variant.
Genome position (GRCh38, 1-based): chr11:119,298,489, A>G. VCF-style: chr11-119298489-A-G. GRCh37 (hg19) VCF-style: chr11-119169199-A-G.
Other names: c.2383A>G (NM_005188.2); short protein forms N795D.
Identifiers: ClinVar variation 3688284 (VCV003688284.3).

ClinVar aggregate classification (germline): Uncertain significance. Review status: criteria provided, multiple submitters, no conflicts (2 of 4 stars). 2 submissions from 2 submitters: Uncertain significance (2). Last evaluated 2025-05-27.

Conditions:
Cardiovascular phenotype. Identifiers: MedGen CN230736.
RASopathy. Also called: Noonan spectrum disorder; rasopathies. Identifiers: Orphanet 536391, MedGen C5555857, MONDO:0021060.

gnomAD v4.1: 5 of 1,614,148 alleles (0.00031%); highest among the groups gnomAD compares: Non-Finnish European, 0.00042%; no homozygotes.

Submissions (2):

Ambry Genetics
Classification: Uncertain significance for Cardiovascular phenotype. Last evaluated: 2025-05-27. Review status: criteria provided, single submitter. Criteria: Ambry Variant Classification Scheme 2023. Collection method: clinical testing. Allele origin: germline.
Comment: The p.N795D variant (also known as c.2383A>G), located in coding exon 15 of the CBL gene, results from an A to G substitution at nucleotide position 2383. The asparagine at codon 795 is replaced by aspartic acid, an amino acid with highly similar properties. This amino acid position is conserved. In addition, this alteration is predicted to be tolerated by in silico analysis. Based on the available evidence, the clinical significance of this variant remains unclear.

Labcorp Genetics (formerly Invitae), Labcorp
Classification: Uncertain significance for RASopathy. Last evaluated: 2024-05-08. Review status: criteria provided, single submitter. Criteria: Invitae Variant Classification Sherloc (09022015). Collection method: clinical testing. Allele origin: germline.
Comment: This sequence change replaces asparagine, which is neutral and polar, with aspartic acid, which is acidic and polar, at codon 795 of the CBL protein (p.Asn795Asp). This variant is not present in population databases (gnomAD no frequency). This variant has not been reported in the literature in individuals affected with CBL-related conditions. Advanced modeling of protein sequence and biophysical properties (such as structural, functional, and spatial information, amino acid conservation, physicochemical variation, residue mobility, and thermodynamic stability) performed at Invitae indicates that this missense variant is not expected to disrupt CBL protein function with a negative predictive value of 95%. In summary, the available evidence is currently insufficient to determine the role of this variant in disease. Therefore, it has been classified as a Variant of Uncertain Significance.